The following is an entry in ClinVar:

NM_000059.4(BRCA2):c.6680C>T (p.Ala2227Val)

Gene: BRCA2 (BRCA2 DNA repair associated; plus strand). Cytogenetic location: 13q13.1.
Variant type: single nucleotide variant.
Coding change: c.6680C>T on transcript NM_000059.4 (MANE Select); coding-DNA position 6680, C replaced by T.
Protein change: p.Ala2227Val; replaces alanine 2227 with valine.
Molecular consequence: missense variant.
Genome position (GRCh38, 1-based): chr13:32,341,035, C>T. VCF-style: chr13-32341035-C-T. GRCh37 (hg19) VCF-style: chr13-32915172-C-T.
Other names: p.Ala2227Val; c.6680C>T (NM_000059.3); short protein forms A2227V.
Identifiers: ClinVar variation 1470129 (VCV001470129.11), dbSNP rs2137529724, ClinGen allele CA387790565.
Genomic context (GRCh38, chr13:32,341,035, plus strand): 5'-CAAATATAGAAGTTTGTTCTACTTACTCCAAAGATTCAGAAAACTACTTTGAAACAGAAG[C>T]AGTAGAAATTGCTAAAGCTTTTATGGAAGATGATGAACTGACAGATTCTAAACTGCCAAG-3'
Protein context (NP_000050.3, residues 2217-2237): KDSENYFETE[Ala2227Val]VEIAKAFMED

ClinVar aggregate classification (germline): Conflicting classifications of pathogenicity. Review status: criteria provided, conflicting classifications (1 of 4 stars). 4 submissions from 4 submitters: Uncertain significance (2); Likely benign (2). Last evaluated 2025-07-09.

Conditions:
Hereditary cancer-predisposing syndrome. Also called: Tumor predisposition; Hereditary Cancer Syndrome; Hereditary neoplastic syndrome; Neoplastic Syndromes, Hereditary. Identifiers: Orphanet 140162, MedGen C0027672, MeSH D009386, MONDO:0015356.
Hereditary breast ovarian cancer syndrome. Also called: BRCA1- and BRCA2-Associated Hereditary Breast and Ovarian Cancer; Hereditary breast and ovarian cancer; Hereditary breast and ovarian cancer syndrome; Hereditary breast and ovarian cancer syndrome (HBOC); Breast and ovarian cancer; Hereditary breast and/or ovarian cancer syndrome. Identifiers: Orphanet 145, MedGen C0677776, MeSH D061325, MONDO:0003582. Disease mechanism: loss of function.

Submissions (4):

Mayo Clinic Laboratories, Mayo Clinic
Classification: Likely benign. Last evaluated: 2025-07-09. Review status: criteria provided, single submitter. Criteria: ACMG Guidelines, 2015. Collection method: clinical testing. Allele origin: germline. Observed: 1 variant allele.
Comment: BP1_strong, PM2_supporting

University of Washington Department of Laboratory Medicine, University of Washington
Classification: Likely benign for Hereditary cancer-predisposing syndrome. Last evaluated: 2023-03-23. Review status: criteria provided, single submitter. Criteria: Dines et al. (Genet Med. 2020). Collection method: curation. Allele origin: germline.
Comment: Missense variant in a coldspot region where missense variants are very unlikely to be pathogenic (PMID:31911673).

BRCA2 exon 11 coldspot. Reclassification based on statistical prior probability.

GeneDx
Classification: Uncertain significance. Last evaluated: 2022-09-15. Review status: criteria provided, single submitter. Criteria: GeneDx Variant Classification Process June 2021. Collection method: clinical testing. Allele origin: germline. Affected: yes.
Comment: Not observed at significant frequency in large population cohorts (gnomAD); In silico analysis supports that this missense variant does not alter protein structure/function; Has not been previously published as pathogenic or benign to our knowledge; Also known as 6908C>T

Labcorp Genetics (formerly Invitae), Labcorp
Classification: Uncertain significance for Hereditary breast ovarian cancer syndrome. Last evaluated: 2021-07-06. Review status: criteria provided, single submitter. Criteria: Invitae Variant Classification Sherloc (09022015). Collection method: clinical testing. Allele origin: germline.
Comment: This sequence change replaces alanine with valine at codon 2227 of the BRCA2 protein (p.Ala2227Val). The alanine residue is highly conserved and there is a small physicochemical difference between alanine and valine. This variant is not present in population databases (ExAC no frequency). This variant has not been reported in the literature in individuals affected with BRCA2-related conditions. Advanced modeling of protein sequence and biophysical properties (such as structural, functional, and spatial information, amino acid conservation, physicochemical variation, residue mobility, and thermodynamic stability) performed at Invitae indicates that this missense variant is not expected to disrupt BRCA2 protein function. In summary, the available evidence is currently insufficient to determine the role of this variant in disease. Therefore, it has been classified as a Variant of Uncertain Significance.